The following is an entry in ClinVar:

NM_001278116.2(L1CAM):c.3370A>T (p.Ile1124Phe)

Gene: L1CAM (L1 cell adhesion molecule; minus strand). Cytogenetic location: Xq28.
Variant type: single nucleotide variant.
Coding change: c.3370A>T on transcript NM_001278116.2 (MANE Select); coding-DNA position 3370, A replaced by T.
Protein change: p.Ile1124Phe; replaces isoleucine 1124 with phenylalanine.
Molecular consequence: missense variant.
Genome position (GRCh38, 1-based): chrX:153,863,970, T>A on the plus strand (A>T on the coding strand, the complement: L1CAM is on the minus strand). VCF-style: chrX-153863970-T-A. GRCh37 (hg19) VCF-style: chrX-153129425-T-A.
Other names: c.3355A>T, p.Ile1119Phe (NM_001143963.2); c.3370A>T (NM_000425.3); c.3370A>T, p.Ile1124Phe (NM_000425.5, NM_024003.3); short protein forms I1119F, I1124F.
Identifiers: ClinVar variation 2834289 (VCV002834289.4), dbSNP rs1557089836, ClinGen allele CA415109867.

ClinVar aggregate classification (germline): Uncertain significance. Review status: criteria provided, multiple submitters, no conflicts (2 of 4 stars). 2 submissions from 2 submitters: Uncertain significance (2). Last evaluated 2025-07-10.

Conditions:
Spastic paraplegia. Identifiers: MedGen C0037772, HP:0001258.

Submissions (2):

GeneDx
Classification: Uncertain significance. Last evaluated: 2025-07-10. Review status: criteria provided, single submitter. Criteria: GeneDx Variant Classification Process June 2021. Collection method: clinical testing. Allele origin: germline. Affected: yes.
Comment: In silico analysis supports that this missense variant has a deleterious effect on protein structure/function; Not observed at significant frequency in large population cohorts (gnomAD); Has not been previously published as pathogenic or benign to our knowledge

Labcorp Genetics (formerly Invitae), Labcorp
Classification: Uncertain significance for Spastic paraplegia. Last evaluated: 2023-03-17. Review status: criteria provided, single submitter. Criteria: Invitae Variant Classification Sherloc (09022015). Collection method: clinical testing. Allele origin: germline.
Comment: This variant has not been reported in the literature in individuals affected with L1CAM-related conditions. In summary, the available evidence is currently insufficient to determine the role of this variant in disease. Therefore, it has been classified as a Variant of Uncertain Significance. Advanced modeling of protein sequence and biophysical properties (such as structural, functional, and spatial information, amino acid conservation, physicochemical variation, residue mobility, and thermodynamic stability) has been performed at Invitae for this missense variant, however the output from this modeling did not meet the statistical confidence thresholds required to predict the impact of this variant on L1CAM protein function. This variant is not present in population databases (gnomAD no frequency). This sequence change replaces isoleucine, which is neutral and non-polar, with phenylalanine, which is neutral and non-polar, at codon 1124 of the L1CAM protein (p.Ile1124Phe).